The following is an entry in ClinVar:

NM_001953.5(TYMP):c.577C>T (p.Pro193Ser)

Gene: TYMP (thymidine phosphorylase; minus strand). Cytogenetic location: 22q13.33.
Variant type: single nucleotide variant.
Coding change: c.577C>T on transcript NM_001953.5 (MANE Select); coding-DNA position 577, C replaced by T.
Protein change: p.Pro193Ser; replaces proline 193 with serine.
Molecular consequence: missense variant.
Genome position (GRCh38, 1-based): chr22:50,527,657, G>A on the plus strand (C>T on the coding strand, the complement: TYMP is on the minus strand). VCF-style: chr22-50527657-G-A. GRCh37 (hg19) VCF-style: chr22-50966086-G-A.
Other names: c.577C>T, p.Pro193Ser (NM_001113755.3, NM_001113756.3, NM_001257988.1 and 1 more transcripts); short protein forms P193S.
Identifiers: ClinVar variation 1447057 (VCV001447057.4), dbSNP rs1236277429, ClinGen allele CA412201273.
Genomic context (GRCh38, chr22:50,527,657, plus strand): 5'-GTGGCAGGCTGTCCACGGTGGCTGTCACATCTCTGGCTGCATATAGGATTCCGTCCGCAG[G>A]AACCAGCTGCTCACTCTGACCCACGATACAGCAGCCCGCCTGGTCCAGCAGCACTTGCAT-3'
Protein context (NP_001944.1, residues 183-203): CIVGQSEQLV[Pro193Ser]ADGILYAARD

ClinVar aggregate classification (germline): Uncertain significance (1 of 4 stars; one submission).

Allele frequency attached by ClinVar (database versions not stated): gnomAD exomes below 0.00001.

Submission:

Labcorp Genetics (formerly Invitae), Labcorp
Classification: Uncertain significance. Last evaluated: 2022-01-03. Review status: criteria provided, single submitter. Criteria: Invitae Variant Classification Sherloc (09022015). Collection method: clinical testing. Allele origin: germline.
Comment: This sequence change replaces proline, which is neutral and non-polar, with serine, which is neutral and polar, at codon 193 of the TYMP protein (p.Pro193Ser). The frequency data for this variant in the population databases is considered unreliable, as metrics indicate poor data quality at this position in the gnomAD database. This variant has not been reported in the literature in individuals affected with TYMP-related conditions. Advanced modeling of protein sequence and biophysical properties (such as structural, functional, and spatial information, amino acid conservation, physicochemical variation, residue mobility, and thermodynamic stability) performed at Invitae indicates that this missense variant is expected to disrupt TYMP protein function. In summary, the available evidence is currently insufficient to determine the role of this variant in disease. Therefore, it has been classified as a Variant of Uncertain Significance.